The following is an entry in ClinVar:

NM_001291303.3(FAT4):c.12851C>T (p.Ser4284Phe)

Gene: FAT4 (FAT atypical cadherin 4; plus strand). Cytogenetic location: 4q28.1.
Variant type: single nucleotide variant.
Coding change: c.12851C>T on transcript NM_001291303.3 (MANE Select); coding-DNA position 12851, C replaced by T.
Protein change: p.Ser4284Phe; replaces serine 4284 with phenylalanine.
Molecular consequence: missense variant.
Genome position (GRCh38, 1-based): chr4:125,487,373, C>T. VCF-style: chr4-125487373-C-T. GRCh37 (hg19) VCF-style: chr4-126408528-C-T.
Other names: c.12851C>T, p.Ser4284Phe (NM_001291285.3); c.12845C>T, p.Ser4282Phe (NM_024582.6); c.12851C>T (NM_001291303.1); c.12845C>T (NM_024582.5); short protein forms S4284F, S4282F.
Identifiers: ClinVar variation 156111 (VCV000156111.13), dbSNP rs199682210, ClinGen allele CA170764.

ClinVar aggregate classification (germline): Uncertain significance. Review status: criteria provided, multiple submitters, no conflicts (2 of 4 stars). 7 submissions from 7 submitters: Uncertain significance (5). 2 of the submissions do not count toward it. Last evaluated 2026-03-02.

Conditions:
FAT4-related disorder. Also called: FAT4-related condition.
Hennekam lymphangiectasia-lymphedema syndrome 2 (HKLLS2). Identifiers: Orphanet 2136, MedGen C4014939, MONDO:0014454, OMIM 616006.
Van Maldergem syndrome 2 (VMLDS2). Identifiers: Orphanet 314679, MedGen C3809875, MONDO:0014242, OMIM 615546.

Allele frequency attached by ClinVar (database versions not stated): gnomAD 0.00012 and 0.00013; ExAC 0.00007; ESP Exome Variant Server 0.00008; gnomAD exomes 0.00010; TOPMed 0.00010.
gnomAD v4.1: 307 of 1,613,238 alleles (0.019%); highest among the groups gnomAD compares: Non-Finnish European, 0.024%; no homozygotes.

Submissions (7):

Women's Health and Genetics/Laboratory Corporation of America, LabCorp
Classification: Uncertain significance. Last evaluated: 2026-03-02. Review status: criteria provided, single submitter. Criteria: LabCorp Variant Classification Summary - May 2015. Collection method: clinical testing. Allele origin: germline.
Comment: Variant summary: FAT4 c.12845C>T (p.Ser4282Phe) results in a non-conservative amino acid change in the encoded protein sequence. Algorithms developed to predict the effect of missense changes on protein structure and function are either unavailable or do not agree on the potential impact of this missense change. The variant allele was found at a frequency of 0.0001 in 250418 control chromosomes (gnomAD). This frequency is not significantly higher than estimated for disease-causing variants in FAT4, allowing no conclusion about variant significance. c.12845C>T has been observed in an individual affected with Hennekam syndrome (Alders_2014). These data do not allow any conclusion about variant significance. To our knowledge, no experimental evidence demonstrating an impact on protein function has been reported. The following publication has been ascertained in the context of this evaluation (PMID: 24913602). ClinVar contains an entry for this variant (Variation ID: 156111). Based on the evidence outlined above, the variant was classified as uncertain significance.

Fulgent Genetics
Classification: Uncertain significance for Van Maldergem syndrome 2; Hennekam lymphangiectasia-lymphedema syndrome 2. Last evaluated: 2024-03-30. Review status: criteria provided, single submitter. Criteria: ACMG Guidelines, 2015. Collection method: clinical testing. Allele origin: germline.

Department of Pathology and Laboratory Medicine, Sinai Health System
Classification: Uncertain significance for Van Maldergem syndrome 2; Hennekam lymphangiectasia-lymphedema syndrome 2. Last evaluated: 2022-08-26. Review status: criteria provided, single submitter. Criteria: ACMG Guidelines, 2015. Collection method: research. Allele origin: germline.

Labcorp Genetics (formerly Invitae), Labcorp
Classification: Uncertain significance. Last evaluated: 2022-08-21. Review status: criteria provided, single submitter. Criteria: Invitae Variant Classification Sherloc (09022015). Collection method: clinical testing. Allele origin: germline.
Comment: This sequence change replaces serine, which is neutral and polar, with phenylalanine, which is neutral and non-polar, at codon 4282 of the FAT4 protein (p.Ser4282Phe). This variant is present in population databases (rs199682210, gnomAD 0.02%). This missense change has been observed in individual(s) with Hennekam lymphangiectasia‚Äìlymphedema syndrome (PMID: 24913602). This variant is also known as c.12851C>T, p.Ser4284Phe. ClinVar contains an entry for this variant (Variation ID: 156111). Advanced modeling of protein sequence and biophysical properties (such as structural, functional, and spatial information, amino acid conservation, physicochemical variation, residue mobility, and thermodynamic stability) performed at Invitae indicates that this missense variant is not expected to disrupt FAT4 protein function. Algorithms developed to predict the effect of sequence changes on RNA splicing suggest that this variant may create or strengthen a splice site. In summary, the available evidence is currently insufficient to determine the role of this variant in disease. Therefore, it has been classified as a Variant of Uncertain Significance.

Eurofins Ntd Llc (ga)
Classification: Uncertain significance. Last evaluated: 2017-03-09. Review status: criteria provided, single submitter. Criteria: EGL Classification Definitions 2015. Collection method: clinical testing. Allele origin: germline. Observed: 1 variant allele, 1 heterozygote.

PreventionGenetics, part of Exact Sciences
Classification: Uncertain significance for FAT4-related condition. Last evaluated: 2024-09-09. Review status: no assertion criteria provided. Collection method: clinical testing. Allele origin: germline. Not counted in ClinVar's aggregate classification.
Comment: The FAT4 c.12851C>T variant is predicted to result in the amino acid substitution p.Ser4284Phe. This variant has been found in the compound heterozygous state in an individual with Hennekam syndrome (Alders et al. 2014. PubMed ID: 24913602). This variant is reported in 0.021% of alleles in individuals of European (Non-Finnish) descent in gnomAD. At this time, the clinical significance of this variant is uncertain due to the absence of conclusive functional and genetic evidence.

OMIM
Classification: Pathogenic for HENNEKAM LYMPHANGIECTASIA-LYMPHEDEMA SYNDROME 2. Last evaluated: 2014-09-01. Review status: no assertion criteria provided. Collection method: literature only. Allele origin: germline. Not counted in ClinVar's aggregate classification.

Literature cited by the submitters: PubMed 24913602 (cited by 3 submitters).